The following is an entry in ClinVar:

ClinVar aggregate classification (germline): Pathogenic. Review status: criteria provided, multiple submitters, no conflicts (2 of 4 stars). 3 submissions from 3 submitters: Pathogenic (2). 1 of the submissions does not count toward it. Last evaluated 2024-05-31.

Conditions:
Lethal congenital contracture syndrome 12. Identifiers: MedGen CN380904, MONDO:0981031, OMIM 621511.
Hereditary sensory and autonomic neuropathy type 6. Also called: Neuropathy, hereditary sensory and autonomic, type VI; HSAN VI. Identifiers: Orphanet 314381, MedGen C3539003, MONDO:0013839, OMIM 614653.
Epidermolysis bullosa simplex 3, localized or generalized intermediate, with BP230 deficiency (EBS3). Also called: Epidermolysis bullosa simplex, autosomal recessive 2; Epidermolysis bullosa simplex due to BP230 deficiency. Identifiers: Orphanet 412181, MedGen C3809470, MONDO:0014180, OMIM 615425.

Submissions (3):

Labcorp Genetics (formerly Invitae), Labcorp
Classification: Pathogenic for Epidermolysis bullosa simplex 3, localized or generalized intermediate, with BP230 deficiency; Hereditary sensory and autonomic neuropathy type 6. Last evaluated: 2024-05-31. Review status: criteria provided, single submitter. Criteria: Invitae Variant Classification Sherloc (09022015). Collection method: clinical testing. Allele origin: germline.
Comment: The DST gene has multiple clinically relevant transcripts. This variant occurs in alternate transcript NM_015548.4, and corresponds to NM_001723.5:c.*139260del in the primary transcript. This sequence change creates a premature translational stop signal (p.Ala4630Leufs*28) in the DST gene. It is expected to result in an absent or disrupted protein product. Loss-of-function variants in DST are known to be pathogenic (PMID: 22522446, 25059916, 30371979). This variant is not present in population databases (gnomAD no frequency). This variant has not been reported in the literature in individuals affected with DST-related conditions. For these reasons, this variant has been classified as Pathogenic.

GeneDx
Classification: Pathogenic. Last evaluated: 2021-03-02. Review status: criteria provided, single submitter. Criteria: GeneDx Variant Classification Process June 2021. Collection method: clinical testing. Allele origin: germline. Affected: yes.
Comment: Frameshift variant predicted to result in protein truncation or nonsense mediated decay in a gene for which loss-of-function is a known mechanism of disease; Not observed in large population cohorts (Lek et al., 2016); This variant is associated with the following publications: (PMID: 22522446)

OMIM
Classification: Pathogenic for LETHAL CONGENITAL CONTRACTURE SYNDROME 12. Last evaluated: 2012-04-01. Review status: no assertion criteria provided. Collection method: literature only. Allele origin: germline. Not counted in ClinVar's aggregate classification.

Literature cited by the submitters: PubMed 22522446 (cited by Labcorp Genetics (formerly Invitae), Labcorp and OMIM); PubMed 25059916 (cited by Labcorp Genetics (formerly Invitae), Labcorp); PubMed 30371979 (cited by Labcorp Genetics (formerly Invitae), Labcorp); PubMed 31633269 (cited by OMIM).

NM_001374736.1(DST):c.21756del (p.Ala7253fs)

Gene: DST (dystonin; minus strand). Cytogenetic location: 6p12.1.
Variant type: Deletion.
Coding change: c.21756del on transcript NM_001374736.1 (MANE Select); coding-DNA position 21756, one base deleted (A; older notation c.21756delA).
Protein change: p.Ala7253fs; shifts the reading frame from alanine 7253.
Molecular consequence: frameshift variant.
Genome position (GRCh38, 1-based): chr6:56,476,257, T deleted on the plus strand (A on the coding strand, the reverse complement: DST is on the minus strand); the first of 2 consecutive T bases (chr6:56,476,257-56,476,258); deleting either gives the same sequence. VCF-style (leftmost placement, unchanged base first): chr6-56476256-CT-C. GRCh37 (hg19) VCF-style: chr6-56341054-CT-C.
Other names: c.15399del, p.Ala5134fs (NM_001144769.5); c.14985del, p.Ala4996fs (NM_001144770.2); c.21756del, p.Ala7253fs (NM_001374722.1); c.20796del, p.Ala6933fs (NM_001374729.1); c.14538del, p.Ala4847fs (NM_001374730.1); c.21783del, p.Ala7262fs (NM_001374734.1); c.14865del, p.Ala4956fs (NM_001386100.1, NM_183380.4); c.13887del, p.Ala4630fs (NM_015548.5); short protein forms A4996fs, A5134fs, A4630fs, A4956fs, A4847fs, A6933fs, A7253fs, A7262fs.
Identifiers: ClinVar variation 31619 (VCV000031619.8), dbSNP rs398122819, ClinGen allele CA281107.